The following is an entry in ClinVar:

ClinVar aggregate classification (germline): Uncertain significance (1 of 4 stars; one submission).

Allele frequency attached by ClinVar (database versions not stated): gnomAD exomes 0.00001.
gnomAD v4.1: 8 of 1,614,154 alleles (0.0005%); highest among the groups gnomAD compares: Non-Finnish European, 0.00068%; no homozygotes.

Submission:

Labcorp Genetics (formerly Invitae), Labcorp
Classification: Uncertain significance. Last evaluated: 2024-02-24. Review status: criteria provided, single submitter. Criteria: Invitae Variant Classification Sherloc (09022015). Collection method: clinical testing. Allele origin: germline.
Comment: This sequence change replaces aspartic acid, which is acidic and polar, with asparagine, which is neutral and polar, at codon 243 of the PDYN protein (p.Asp243Asn). This variant is not present in population databases (gnomAD no frequency). This variant has not been reported in the literature in individuals affected with PDYN-related conditions. ClinVar contains an entry for this variant (Variation ID: 1430644). Advanced modeling of protein sequence and biophysical properties (such as structural, functional, and spatial information, amino acid conservation, physicochemical variation, residue mobility, and thermodynamic stability) performed at Invitae indicates that this missense variant is not expected to disrupt PDYN protein function with a negative predictive value of 80%. In summary, the available evidence is currently insufficient to determine the role of this variant in disease. Therefore, it has been classified as a Variant of Uncertain Significance.

NM_024411.5(PDYN):c.727G>A (p.Asp243Asn)

Genes: PDYN (prodynorphin; minus strand), PDYN-AS1 (PDYN antisense RNA 1; plus strand). Cytogenetic location: 20p13.
Variant type: single nucleotide variant.
Coding change: c.727G>A on transcript NM_024411.5 (MANE Select); coding-DNA position 727, G replaced by A.
Protein change: p.Asp243Asn; replaces aspartic acid 243 with asparagine.
Molecular consequence: missense variant.
Genome position (GRCh38, 1-based): chr20:1,980,361, C>T on the plus strand (G>A on the coding strand, the complement: PDYN is on the minus strand). VCF-style: chr20-1980361-C-T. GRCh37 (hg19) VCF-style: chr20-1961007-C-T.
Other names: c.727G>A, p.Asp243Asn (NM_001190892.1, NM_001190898.3, NM_001190899.2 and 1 more transcripts); short protein forms D243N.
Identifiers: ClinVar variation 1430644 (VCV001430644.8), dbSNP rs2122303556, ClinGen allele CA408002550.